The following is an entry in ClinVar:

ClinVar aggregate classification (germline): Uncertain significance. Review status: criteria provided, multiple submitters, no conflicts (2 of 4 stars). 2 submissions from 2 submitters: Uncertain significance (2). Last evaluated 2022-04-28.

Conditions:
Inborn genetic diseases. Identifiers: MedGen C0950123, MeSH D030342.
Hereditary spastic paraplegia 11. Also called: SPASTIC PARAPLEGIA, AUTOSOMAL RECESSIVE, COMPLICATED, WITH THIN CORPUS CALLOSUM; SPASTIC PARAPLEGIA, AUTOSOMAL RECESSIVE, WITH MENTAL IMPAIRMENT AND THIN CORPUS CALLOSUM; Spastic Paraplegia 11; Spastic paraplegia, mental retardation and thin corpus callosum; Nakamura Osame syndrome; Autosomal recessive hereditary spastic paraplegia, mental impairment, and thin corpus callosum. Identifiers: Orphanet 2822, MedGen C1858479, MONDO:0011445, OMIM 604360.

Allele frequency attached by ClinVar (database versions not stated): gnomAD exomes 0.00001; ExAC 0.00002; gnomAD 0.00002; ESP Exome Variant Server 0.00008.
gnomAD v4.1: 9 of 1,614,000 alleles (0.00056%); highest among the groups gnomAD compares: African/African-American, 0.0027%; no homozygotes.

Submissions (2):

Labcorp Genetics (formerly Invitae), Labcorp
Classification: Uncertain significance for Hereditary spastic paraplegia 11. Last evaluated: 2022-04-28. Review status: criteria provided, single submitter. Criteria: Invitae Variant Classification Sherloc (09022015). Collection method: clinical testing. Allele origin: germline.
Comment: This sequence change replaces glutamic acid, which is acidic and polar, with lysine, which is basic and polar, at codon 2154 of the SPG11 protein (p.Glu2154Lys). This variant is present in population databases (rs139650852, gnomAD 0.004%). This variant has not been reported in the literature in individuals affected with SPG11-related conditions. Algorithms developed to predict the effect of missense changes on protein structure and function are either unavailable or do not agree on the potential impact of this missense change (SIFT: "Tolerated"; PolyPhen-2: "Possibly Damaging"; Align-GVGD: "Class C0"). In summary, the available evidence is currently insufficient to determine the role of this variant in disease. Therefore, it has been classified as a Variant of Uncertain Significance.

Ambry Genetics
Classification: Uncertain significance for Inborn genetic diseases. Last evaluated: 2021-11-05. Review status: criteria provided, single submitter. Criteria: Ambry Variant Classification Scheme 2023. Collection method: clinical testing. Allele origin: germline.

NM_025137.4(SPG11):c.6460G>A (p.Glu2154Lys)

Gene: SPG11 (SPG11 vesicle trafficking associated, spatacsin; minus strand). Cytogenetic location: 15q21.1.
Variant type: single nucleotide variant.
Coding change: c.6460G>A on transcript NM_025137.4 (MANE Select); coding-DNA position 6460, G replaced by A.
Protein change: p.Glu2154Lys; replaces glutamic acid 2154 with lysine.
Molecular consequence: missense variant.
Genome position (GRCh38, 1-based): chr15:44,570,542, C>T on the plus strand (G>A on the coding strand, the complement: SPG11 is on the minus strand). VCF-style: chr15-44570542-C-T. GRCh37 (hg19) VCF-style: chr15-44862740-C-T.
Other names: c.6121G>A, p.Glu2041Lys (NM_001160227.2); c.6316G>A, p.Glu2106Lys (NM_001411132.1); short protein forms E2041K, E2154K, E2106K.
Identifiers: ClinVar variation 1986683 (VCV001986683.2), dbSNP rs139650852, ClinGen allele CA7534126.
Genomic context (GRCh38, chr15:44,570,542, plus strand): 5'-AGGTTTCCACAGGATGGAGACTGGGGTTGAGGGGGCTACTTACCACCAGCCCATACTCCT[C>T]ACTGGGGGCCAGGTGGTTATCTGTGAGCATGTGGGCGGCCTGTAGGACTCGGATGATGCC-3'
Protein context (NP_079413.3, residues 2144-2164): MLTDNHLAPS[Glu2154Lys]EYGLVVRLLT